The following is an entry in ClinVar:

ClinVar aggregate classification (germline): Likely pathogenic (1 of 4 stars; one submission).

Conditions:
Autosomal recessive limb-girdle muscular dystrophy type 2A (LGMDR1). Also called: LEYDEN-MOEBIUS MUSCULAR DYSTROPHY; MUSCULAR DYSTROPHY, PELVOFEMORAL; Limb-girdle muscular dystrophy, type 2A; Calpainopathy; Muscular dystrophy, limb-girdle, type 2A, Amish. Identifiers: Orphanet 267, MedGen C1869123, MONDO:0009675, OMIM 253600. Disease mechanism: loss of function.

Submission:

Natera, Inc.
Classification: Likely pathogenic for Limb-girdle muscular dystrophy type 2A. Last evaluated: 2024-09-16. Review status: criteria provided, single submitter. Criteria: Natera Variant Classification Schema (03/2026). Collection method: clinical testing. Allele origin: germline.
Comment: The c.2117_2120del variant in CAPN3 is a frameshift variant predicted to shift the reading frame beginning at codon 706 and leads to a stop codon 69 codons downstream. This variant is expected to result in nonsense mediated decay, truncation, or a dysfunctional protein product. This variant is rare in the general population with a frequency below the threshold expected for the associated phenotype(s). Given the available evidence, this variant is classified as Likely Pathogenic.

NM_000070.2(CAPN3):c.2117_2120del

Gene: CAPN3 (calpain 3; plus strand). Cytogenetic location: 15q15.1.
Variant type: Microsatellite.
Coding change: c.2117_2120del on transcript NM_000070.2; coding-DNA positions 2117 to 2120, 4 bases deleted (CAGA; older notation c.2117_2120delCAGA).
Genome position (GRCh38, 1-based): chr15:42,410,429-42,410,432, CAGA deleted; deleting any 4 consecutive bases within chr15:42,410,425-42,410,432 gives the same sequence; the c. name uses the placement nearest the transcript's 3' end. VCF-style (leftmost placement, unchanged base first): chr15-42410424-CCAGA-C. GRCh37 (hg19) VCF-style: chr15-42702622-CCAGA-C.
Identifiers: ClinVar variation 4816223 (VCV004816223.1).
Genomic context (GRCh38, chr15:42,410,424, plus strand): 5'-ACCCTCCCTCCAAATCCAGGGGGATTTTGCTGTGTGCTGTGTAGCCCTGACCTCCCTCCT[CCAGA>C]CAGATGGCTCTGGAAAGCTCAACCTGCAGGAGTTCCACCACCTCTGGAACAAGATTAAGG-3'